The following is an entry in ClinVar:

NM_000444.6(PHEX):c.631G>A (p.Asp211Asn)

Gene: PHEX (phosphate regulating endopeptidase X-linked; plus strand). Cytogenetic location: Xp22.11.
Variant type: single nucleotide variant.
Coding change: c.631G>A on transcript NM_000444.6 (MANE Select); coding-DNA position 631, G replaced by A.
Protein change: p.Asp211Asn; replaces aspartic acid 211 with asparagine.
Molecular consequence: missense variant.
Genome position (GRCh38, 1-based): chrX:22,077,670, G>A. VCF-style: chrX-22077670-G-A. GRCh37 (hg19) VCF-style: chrX-22095788-G-A.
Other names: p.Asp211Asn; c.631G>A, p.Asp211Asn (NM_001282754.2); short protein forms D211N.
Identifiers: ClinVar variation 792356 (VCV000792356.17), dbSNP rs370610267, ClinGen allele CA10368070.

ClinVar aggregate classification (germline): Benign/Likely benign. Review status: criteria provided, multiple submitters, no conflicts (2 of 4 stars). 5 submissions from 5 submitters: Benign (2); Likely benign (3). Last evaluated 2025-10-14.

Conditions:
Familial X-linked hypophosphatemic vitamin D refractory rickets (XLHRD). Also called: Hypophosphatemia, vitamin D-resistant rickets; Vitamin D-resistant rickets, X-linked; X-Linked Hypophosphatemia; HYPOPHOSPHATEMIC VITAMIN D-RESISTANT RICKETS; Hypophosphatemic Rickets, X-Linked Dominant. Identifiers: Orphanet 89936, MedGen C0733682, MONDO:0010619, OMIM 307800.

Allele frequency attached by ClinVar (database versions not stated): ESP Exome Variant Server 0.00009; TOPMed 0.00009; gnomAD 0.00018 and 0.00019; ExAC 0.00032; gnomAD exomes 0.00034 and 0.00035.
gnomAD v4.1: 398 of 1,204,629 alleles (0.033%); highest among the groups gnomAD compares: Non-Finnish European, 0.033%; 1 homozygote.

Submissions (5):

Labcorp Genetics (formerly Invitae), Labcorp
Classification: Benign. Last evaluated: 2025-10-14. Review status: criteria provided, single submitter. Criteria: Invitae Variant Classification Sherloc (09022015). Collection method: clinical testing. Allele origin: germline.

Mayo Clinic Laboratories, Mayo Clinic
Classification: Likely benign. Last evaluated: 2025-02-10. Review status: criteria provided, single submitter. Criteria: ACMG Guidelines, 2015. Collection method: clinical testing. Allele origin: germline. Observed: 1 variant allele.
Comment: BS1, PS3_moderate

Blueprint Genetics
Classification: Likely benign. Last evaluated: 2024-10-09. Review status: criteria provided, single submitter. Criteria: ACMG Guidelines, 2015. Collection method: clinical testing. Allele origin: germline.

Women's Health and Genetics/Laboratory Corporation of America, LabCorp
Classification: Benign. Last evaluated: 2024-01-23. Review status: criteria provided, single submitter. Criteria: LabCorp Variant Classification Summary - May 2015. Collection method: clinical testing. Allele origin: germline.
Comment: Variant summary: PHEX c.631G>A (p.Asp211Asn) results in a conservative amino acid change located in the peptidase M13, N-terminal domain (IPR008753) of the encoded protein sequence. Four of five in-silico tools predict a damaging effect of the variant on protein function. The variant allele was found at a frequency of 0.00033 in 1204629 control chromosomes in the gnomAD database (v4), including 396 heterozygotes/hemizygotes and 1 homozygote. The observed variant frequency is approximately 13-fold of the estimated maximal expected allele frequency for a pathogenic variant in PHEX causing X-Linked Hypophosphatemic Rickets phenotype (2.5e-05), strongly suggesting that the variant is benign. To our knowledge, no occurrence of c.631G>A in individuals affected with X-Linked Hypophosphatemic Rickets and no experimental evidence demonstrating its impact on protein function have been reported. ClinVar contains an entry for this variant (Variation ID: 792356). Based on the evidence outlined above, the variant was classified as benign.

Illumina Laboratory Services, Illumina
Classification: Likely benign for Familial X-linked hypophosphatemic vitamin D refractory rickets. Last evaluated: 2018-01-13. Review status: criteria provided, single submitter. Criteria: ICSL Variant Classification Criteria 13 December 2019. Collection method: clinical testing. Allele origin: germline.
Comment: This variant was observed in the ICSL laboratory as part of a predisposition screen in an ostensibly healthy population. It had not been previously curated by ICSL or reported in the Human Gene Mutation Database (HGMD: prior to June 1st, 2018), and was therefore a candidate for classification through an automated scoring system. Utilizing variant allele frequency, disease prevalence and penetrance estimates, and inheritance mode, an automated score was calculated to assess if this variant is too frequent to cause the disease. Based on the score and internal cut-off values, a variant classified as likely benign is not then subjected to further curation. The score for this variant resulted in a classification of likely benign for this disease.